The following is an entry in ClinVar:

NM_022168.4(IFIH1):c.2788A>C (p.Asn930His)

Gene: IFIH1 (interferon induced with helicase C domain 1; minus strand). Cytogenetic location: 2q24.2.
Variant type: single nucleotide variant.
Coding change: c.2788A>C on transcript NM_022168.4 (MANE Select); coding-DNA position 2788, A replaced by C.
Protein change: p.Asn930His; replaces asparagine 930 with histidine.
Molecular consequence: missense variant.
Genome position (GRCh38, 1-based): chr2:162,268,106, T>G on the plus strand (A>C on the coding strand, the complement: IFIH1 is on the minus strand). VCF-style: chr2-162268106-T-G. GRCh37 (hg19) VCF-style: chr2-163124616-T-G.
Other names: c.2788A>C (NM_022168.2); c.2788A>C, p.Asn930His (LRG_1235t1); short protein forms N930H.
Identifiers: ClinVar variation 582309 (VCV000582309.13), dbSNP rs374202040, ClinGen allele CA1934077.

ClinVar aggregate classification (germline): Conflicting classifications of pathogenicity. Review status: criteria provided, conflicting classifications (1 of 4 stars). 6 submissions from 6 submitters: Uncertain significance (4); Likely benign (2). Last evaluated 2025-10-01.

Conditions:
Singleton-Merten syndrome 1 (SGMRT1). Also called: Widened medullary cavities of bone, aortic calcification, abnormal dentition, and muscular weakness; Syndrome of widened medullary cavities of the metacarpals and phalanges, aortic calcification and abnormal dentition. Identifiers: Orphanet 85191, MedGen C4225427, MONDO:0024535, OMIM 182250.
Aicardi-Goutieres syndrome 7 (AGS7). Identifiers: Orphanet 51, MedGen C3888244, MONDO:0014367, OMIM 615846.
Immunodeficiency 95 (IMD95). Identifiers: MedGen C5676929, MONDO:0030692, OMIM 619773.
Inborn genetic diseases. Identifiers: MedGen C0950123, MeSH D030342.

Allele frequency attached by ClinVar (database versions not stated): gnomAD 0.00006 and 0.00007; gnomAD exomes 0.00006 and 0.00007; ExAC 0.00008; TOPMed 0.00009; ESP Exome Variant Server 0.00015.
gnomAD v4.1: 94 of 1,605,586 alleles (0.0059%); highest among the groups gnomAD compares: Non-Finnish European, 0.0076%; no homozygotes.

Submissions (6):

Labcorp Genetics (formerly Invitae), Labcorp
Classification: Likely benign for Aicardi-Goutieres syndrome 7; Singleton-Merten syndrome 1. Last evaluated: 2025-10-01. Review status: criteria provided, single submitter. Criteria: Invitae Variant Classification Sherloc (09022015). Collection method: clinical testing. Allele origin: germline.

Women's Health and Genetics/Laboratory Corporation of America, LabCorp
Classification: Likely benign. Last evaluated: 2025-01-15. Review status: criteria provided, single submitter. Criteria: LabCorp Variant Classification Summary - May 2015. Collection method: clinical testing. Allele origin: germline.
Comment: Variant summary: IFIH1 c.2788A>C (p.Asn930His) results in a conservative amino acid change located in the C-terminal regulatory domain (IPR021673) of the encoded protein sequence. Two of four in-silico tools predict a benign effect of the variant on protein function. The variant allele was found at a frequency of 7.4e-05 in 244142 control chromosomes. The occurrences in several carriers suggest that this variant is likely not associated with a high penetrance, severe, early onset disease phenotype in heterozygous state. To our knowledge, no occurrence of c.2788A>C in individuals affected with Singleton-Merten syndrome 1 and no experimental evidence demonstrating its impact on protein function have been reported. ClinVar contains an entry for this variant (Variation ID: 582309). Based on the evidence outlined above, the variant was classified as likely benign.

Blueprint Genetics
Classification: Uncertain significance. Last evaluated: 2024-10-30. Review status: criteria provided, single submitter. Criteria: ACMG Guidelines, 2015. Collection method: clinical testing. Allele origin: germline.

Fulgent Genetics
Classification: Uncertain significance for Singleton-Merten syndrome 1; Aicardi-Goutieres syndrome 7; Immunodeficiency 95. Last evaluated: 2022-04-15. Review status: criteria provided, single submitter. Criteria: ACMG Guidelines, 2015. Collection method: clinical testing. Allele origin: unknown.

Ambry Genetics
Classification: Uncertain significance for Inborn genetic diseases. Last evaluated: 2021-07-13. Review status: criteria provided, single submitter. Criteria: Ambry Variant Classification Scheme 2023. Collection method: clinical testing. Allele origin: germline.

GeneDx
Classification: Uncertain significance. Last evaluated: 2019-11-06. Review status: criteria provided, single submitter. Criteria: GeneDx Variant Classification Process June 2021. Collection method: clinical testing. Allele origin: germline. Affected: yes.
Comment: In silico analysis, which includes protein predictors and evolutionary conservation, supports a deleterious effect; Has not been previously published as pathogenic or benign to our knowledge